The following is an entry in ClinVar:

ClinVar aggregate classification (germline): Uncertain significance (1 of 4 stars; one submission).

Conditions:
Malignant hyperthermia, susceptibility to, 1 (MHS1). Also called: Anesthesia related hyperthermia; Malignant hyperpyrexia; Fulminating hyperpyrexia; Pharmacogenic myopathy; RYR1-Related Malignant Hyperthermia Susceptibility; Malignant hyperthermia suceptibility 1. Identifiers: Orphanet 423, MedGen C2930980, MONDO:0007783, OMIM 145600.

Allele frequency attached by ClinVar (database versions not stated): gnomAD exomes below 0.00001; ExAC 0.00004.
gnomAD v4.1: 3 of 1,576,036 alleles (0.00019%); highest among the groups gnomAD compares: South Asian, 0.0035%; no homozygotes.

Submission:

All of Us Research Program, National Institutes of Health
Classification: Uncertain significance for Malignant hyperthermia, susceptibility to, 1. Last evaluated: 2023-11-02. Review status: criteria provided, single submitter. Criteria: ACMG Guidelines, 2015. Collection method: clinical testing. Allele origin: germline. Inheritance: Autosomal dominant inheritance. Observed: 1 variant allele, 1 heterozygote.
Comment: This missense variant replaces phenylalanine with valine at codon 1611 of the RYR1 protein. Computational prediction suggests that this variant may have deleterious impact on protein structure and function (internally defined REVEL score threshold >= 0.7, PMID: 27666373). To our knowledge, functional studies have not been reported for this variant. This variant has not been reported in individuals affected with RYR1-related disorders in the literature. This variant has been identified in 2/190652 chromosomes in the general population by the Genome Aggregation Database (gnomAD). The available evidence is insufficient to determine the role of this variant in disease conclusively. Therefore, this variant is classified as a Variant of Uncertain Significance.

This study involves interpretation of variants in research participants for the purpose of population health screening. Participant phenotype was not available at the time of variant classification. Additional details can be found in publication PMID: 35346344, PMCID: PMC8962531

NM_000540.3(RYR1):c.4831T>G (p.Phe1611Val)

Gene: RYR1 (ryanodine receptor 1; plus strand). Cytogenetic location: 19q13.2.
Variant type: single nucleotide variant.
Coding change: c.4831T>G on transcript NM_000540.3 (MANE Select); coding-DNA position 4831, T replaced by G.
Protein change: p.Phe1611Val; replaces phenylalanine 1611 with valine.
Molecular consequence: missense variant.
Genome position (GRCh38, 1-based): chr19:38,483,413, T>G. VCF-style: chr19-38483413-T-G. GRCh37 (hg19) VCF-style: chr19-38974053-T-G.
Other names: c.4831T>G, p.Phe1611Val (NM_001042723.2); short protein forms F1611V.
Identifiers: ClinVar variation 3074368 (VCV003074368.1), dbSNP rs760447175, ClinGen allele CA066457.